The following is an entry in ClinVar:

NM_014319.5(LEMD3):c.2048C>G (p.Ala683Gly)

Gene: LEMD3 (LEM domain containing 3; plus strand). Cytogenetic location: 12q14.3.
Variant type: single nucleotide variant.
Coding change: c.2048C>G on transcript NM_014319.5 (MANE Select); coding-DNA position 2048, C replaced by G.
Protein change: p.Ala683Gly; replaces alanine 683 with glycine.
Molecular consequence: missense variant.
Genome position (GRCh38, 1-based): chr12:65,240,160, C>G. VCF-style: chr12-65240160-C-G. GRCh37 (hg19) VCF-style: chr12-65633940-C-G.
Other names: c.2045C>G, p.Ala682Gly (NM_001167614.2); short protein forms A683G, A682G.
Identifiers: ClinVar variation 3657265 (VCV003657265.2).

ClinVar aggregate classification (germline): Uncertain significance (1 of 4 stars; one submission).

gnomAD v4.1: 5 of 1,613,394 alleles (0.00031%); highest among the groups gnomAD compares: Non-Finnish European, 0.00042%; no homozygotes.

Submission:

Labcorp Genetics (formerly Invitae), Labcorp
Classification: Uncertain significance. Last evaluated: 2024-06-21. Review status: criteria provided, single submitter. Criteria: Invitae Variant Classification Sherloc (09022015). Collection method: clinical testing. Allele origin: germline.
Comment: This sequence change replaces alanine, which is neutral and non-polar, with glycine, which is neutral and non-polar, at codon 683 of the LEMD3 protein (p.Ala683Gly). This variant is not present in population databases (gnomAD no frequency). This variant has not been reported in the literature in individuals affected with LEMD3-related conditions. Advanced modeling of protein sequence and biophysical properties (such as structural, functional, and spatial information, amino acid conservation, physicochemical variation, residue mobility, and thermodynamic stability) performed at Invitae indicates that this missense variant is expected to disrupt LEMD3 protein function with a positive predictive value of 80%. In summary, the available evidence is currently insufficient to determine the role of this variant in disease. Therefore, it has been classified as a Variant of Uncertain Significance.